The following is an entry in ClinVar:

ClinVar aggregate classification (germline): Uncertain significance (1 of 4 stars; one submission).

Conditions:
Neurofibromatosis, type 1 (NF1). Also called: VON RECKLINGHAUSEN DISEASE; Neurofibromatosis, type I; NEUROFIBROMATOSIS, TYPE I, SOMATIC; Peripheral type neurofibromatosis. Identifiers: Orphanet 636, MedGen C0027831, MONDO:0018975, OMIM 162200. Disease mechanism: loss of function.

Submission:

Labcorp Genetics (formerly Invitae), Labcorp
Classification: Uncertain significance for Neurofibromatosis, type 1. Last evaluated: 2025-04-30. Review status: criteria provided, single submitter. Criteria: Invitae Variant Classification Sherloc (09022015). Collection method: clinical testing. Allele origin: germline.
Comment: This sequence change replaces tryptophan, which is neutral and slightly polar, with leucine, which is neutral and non-polar, at codon 425 of the NF1 protein (p.Trp425Leu). This variant is not present in population databases (gnomAD no frequency). This variant has not been reported in the literature in individuals affected with NF1-related conditions. Invitae Evidence Modeling of protein sequence and biophysical properties (such as structural, functional, and spatial information, amino acid conservation, physicochemical variation, residue mobility, and thermodynamic stability) indicates that this missense variant is expected to disrupt NF1 protein function with a positive predictive value of 95%. In summary, the available evidence is currently insufficient to determine the role of this variant in disease. Therefore, it has been classified as a Variant of Uncertain Significance.

NM_001042492.3(NF1):c.1274G>T (p.Trp425Leu)

Gene: NF1 (neurofibromin 1; plus strand). Cytogenetic location: 17q11.2.
Variant type: single nucleotide variant.
Coding change: c.1274G>T on transcript NM_001042492.3 (MANE Select); coding-DNA position 1274, G replaced by T.
Protein change: p.Trp425Leu; replaces tryptophan 425 with leucine.
Molecular consequence: missense variant.
Genome position (GRCh38, 1-based): chr17:31,206,253, G>T. VCF-style: chr17-31206253-G-T. GRCh37 (hg19) VCF-style: chr17-29533271-G-T.
Other names: c.1274G>T, p.Trp425Leu (NM_000267.4, NM_001128147.3); short protein forms W425L.
Identifiers: ClinVar variation 4800718 (VCV004800718.1).